The following is an entry in ClinVar:

NM_000081.4(LYST):c.6718C>T (p.His2240Tyr)

Gene: LYST (lysosomal trafficking regulator; minus strand). Cytogenetic location: 1q42.3.
Variant type: single nucleotide variant.
Coding change: c.6718C>T on transcript NM_000081.4 (MANE Select); coding-DNA position 6718, C replaced by T.
Protein change: p.His2240Tyr; replaces histidine 2240 with tyrosine.
Molecular consequence: missense variant.
Genome position (GRCh38, 1-based): chr1:235,759,135, G>A on the plus strand (C>T on the coding strand, the complement: LYST is on the minus strand). VCF-style: chr1-235759135-G-A. GRCh37 (hg19) VCF-style: chr1-235922435-G-A.
Other names: c.6718C>T, p.His2240Tyr (NM_001301365.1); short protein forms H2240Y.
Identifiers: ClinVar variation 1392094 (VCV001392094.11), dbSNP rs186152859, ClinGen allele CA1466328.
Genomic context (GRCh38, chr1:235,759,135, plus strand): 5'-CAACAGCTGCAGATCCGTTCTGTGAAGGAAAAGCTAGCCCAAGGCTTGCAATAGTGCTGT[G>A]GCTTCGCTGGAAGGAGGCCAATCCCTTTAGGTAATCAGGTCGGCGTGGGCAGGACTCATC-3'
Protein context (NP_000072.2, residues 2230-2250): LKGLASFQRS[His2240Tyr]STIASLGLAF

ClinVar aggregate classification (germline): Uncertain significance. Review status: criteria provided, multiple submitters, no conflicts (2 of 4 stars). 4 submissions from 4 submitters: Uncertain significance (4). Last evaluated 2022-08-18.

Conditions:
Autoinflammatory syndrome. Identifiers: Orphanet 93665, MedGen C3890737, MONDO:0019751.
Chédiak-Higashi syndrome (CHS). Also called: Chediak-Higashi Syndrome. Identifiers: Orphanet 167, MedGen C0007965, MONDO:0008963, OMIM 214500.

Allele frequency attached by ClinVar (database versions not stated): gnomAD exomes below 0.00001 and 0.00002; ExAC 0.00001; gnomAD 0.00003; TOPMed 0.00005; 1000 Genomes Project 0.00020; 1000 Genomes Project 30x 0.00031.
gnomAD v4.1: 12 of 1,614,200 alleles (0.00074%); highest among the groups gnomAD compares: African/African-American, 0.011%; no homozygotes.

Submissions (4):

Labcorp Genetics (formerly Invitae), Labcorp
Classification: Uncertain significance for Chédiak-Higashi syndrome. Last evaluated: 2022-08-18. Review status: criteria provided, single submitter. Criteria: Invitae Variant Classification Sherloc (09022015). Collection method: clinical testing. Allele origin: germline.
Comment: This sequence change replaces histidine, which is basic and polar, with tyrosine, which is neutral and polar, at codon 2240 of the LYST protein (p.His2240Tyr). This variant is present in population databases (rs186152859, gnomAD 0.01%). This variant has not been reported in the literature in individuals affected with LYST-related conditions. ClinVar contains an entry for this variant (Variation ID: 1392094). Algorithms developed to predict the effect of missense changes on protein structure and function are either unavailable or do not agree on the potential impact of this missense change (SIFT: "Tolerated"; PolyPhen-2: "Possibly Damaging"; Align-GVGD: "Class C0"). In summary, the available evidence is currently insufficient to determine the role of this variant in disease. Therefore, it has been classified as a Variant of Uncertain Significance.

Fulgent Genetics
Classification: Uncertain significance for Chédiak-Higashi syndrome. Last evaluated: 2022-05-09. Review status: criteria provided, single submitter. Criteria: ACMG Guidelines, 2015. Collection method: clinical testing. Allele origin: unknown.

Genome Diagnostics Laboratory, The Hospital for Sick Children
Classification: Uncertain significance for Autoinflammatory syndrome. Last evaluated: 2022-01-19. Review status: criteria provided, single submitter. Criteria: ACMG Guidelines, 2015. Collection method: clinical testing. Allele origin: germline. Affected: yes.

Revvity Omics, Revvity
Classification: Uncertain significance for Chédiak-Higashi syndrome. Last evaluated: 2019-01-18. Review status: criteria provided, single submitter. Criteria: ACMG Guidelines, 2015. Collection method: clinical testing. Allele origin: germline.